The following is an entry in ClinVar:

NM_032638.5(GATA2):c.442A>G (p.Ser148Gly)

Gene: GATA2 (GATA binding protein 2; minus strand). Cytogenetic location: 3q21.3.
Variant type: single nucleotide variant.
Coding change: c.442A>G on transcript NM_032638.5 (MANE Select); coding-DNA position 442, A replaced by G.
Protein change: p.Ser148Gly; replaces serine 148 with glycine.
Molecular consequence: missense variant.
Genome position (GRCh38, 1-based): chr3:128,486,156, T>C on the plus strand (A>G on the coding strand, the complement: GATA2 is on the minus strand). VCF-style: chr3-128486156-T-C. GRCh37 (hg19) VCF-style: chr3-128204999-T-C.
Other names: c.442A>G, p.Ser148Gly (NM_001145661.2, NM_001145662.1); short protein forms S148G.
Identifiers: ClinVar variation 834726 (VCV000834726.14), dbSNP rs1161655427, ClinGen allele CA354406746.
Genomic context (GRCh38, chr3:128,486,156, plus strand): 5'-AGCCAGAGTGGGCTGCTGTAGGGGTGAGGGAGGCCACTGAGCTCCCGCTGCCTCCCCCGC[T>C]CCCACCCCCAGCCCCTGGGTACACAGAGAGTGGGCCTCCAGGGCCTCCAGCAGCTGAGGG-3'
Protein context (NP_116027.2, residues 138-158): LSVYPGAGGG[Ser148Gly]GGGSGSSVAS

ClinVar aggregate classification (germline): Uncertain significance. Review status: criteria provided, multiple submitters, no conflicts (2 of 4 stars). 6 submissions from 6 submitters: Uncertain significance (6). Last evaluated 2025-12-12.

Conditions:
Inborn genetic diseases. Identifiers: MedGen C0950123, MeSH D030342.
Deafness-lymphedema-leukemia syndrome. Also called: Lymphedema, primary, with myelodysplasia; Emberger syndrome. Identifiers: Orphanet 3226, MedGen C3279664, MONDO:0013540, OMIM 614038.
Acute myeloid leukemia (AML). Also called: Acute myeloid leukemia, adult; AML adult; Acute non-lymphocytic leukemia; Acute granulocytic leukemia; Leukemia, acute myeloid, somatic; Leukemia, acute myelogenous, somatic. Identifiers: Orphanet 519, MedGen C0023467, MeSH D015470, MONDO:0018874, OMIM 601626, HP:0004808. Disease mechanism: Constitutively activated FLT3.
Monocytopenia with susceptibility to infections. Also called: MONOCYTOPENIA AND MYCOBACTERIAL INFECTION SYNDROME; MONOCYTOPENIA WITH SUSCEPTIBILITY TO MYCOBACTERIAL, FUNGAL, AND PAPILLOMAVIRUS INFECTIONS AND MYELODYSPLASIA; COMBINED IMMUNODEFICIENCY WITH SUSCEPTIBILITY TO MYCOBACTERIAL, VIRAL, AND FUNGAL INFECTIONS; Dendritic cell, monocyte, B lymphocyte, and natural killer lymphocyte deficiency; IMMUNODEFICIENCY 21; GATA2 DEFICIENCY. Identifiers: Orphanet 228423, MedGen C3280030, MONDO:0013607, OMIM 614172.
Myelodysplastic syndrome (MDS). Also called: MYELODYSPLASTIC SYNDROME, SUSCEPTIBILITY TO; Myelodysplastic syndrome, somatic; Myelodysplastic syndromes. Identifiers: Orphanet 52688, MedGen C3463824, MeSH D009190, MONDO:0018881, OMIM 614286.

Allele frequency attached by ClinVar (database versions not stated): gnomAD exomes 0.00001.
gnomAD v4.1: 4 of 1,579,106 alleles (0.00025%); highest among the groups gnomAD compares: Non-Finnish European, 0.00034%; no homozygotes.

Submissions (6):

Clinical Genomics Laboratory, Washington University in St. Louis
Classification: Uncertain significance for Acute myeloid leukemia; Deafness-lymphedema-leukemia syndrome. Last evaluated: 2025-12-12. Review status: criteria provided, single submitter. Criteria: ACMG Guidelines, 2015. Collection method: clinical testing. Allele origin: germline.
Comment: A GATA2 c.442A>G (p.Ser148Gly) variant was identified at a variant allele fraction of 36.1% that could be representative of either somatic or germline variation. This variant, to our knowledge, has not been reported in the medical literature. It has been reported in the ClinVar database as a germline variant of uncertain significance by five submitters (Variation ID: 834726). It is only observed on 4/1,579,106 alleles in the general population (gnomAD v4.1.0), indicating it is not a common variant. Computational predictors are uncertain as to the impact of this variant on GATA2 function. Due to limited information, and based on ACMG/AMP guidelines for variant interpretation (Richards S et al., PMID: 25741868), the clinical significance of this variant is uncertain at this time.

Labcorp Genetics (formerly Invitae), Labcorp
Classification: Uncertain significance for Monocytopenia with susceptibility to infections; Deafness-lymphedema-leukemia syndrome. Last evaluated: 2025-05-27. Review status: criteria provided, single submitter. Criteria: Invitae Variant Classification Sherloc (09022015). Collection method: clinical testing. Allele origin: germline.
Comment: This sequence change replaces serine, which is neutral and polar, with glycine, which is neutral and non-polar, at codon 148 of the GATA2 protein (p.Ser148Gly). This variant is present in population databases (no rsID available, gnomAD 0.001%). This variant has not been reported in the literature in individuals affected with GATA2-related conditions. ClinVar contains an entry for this variant (Variation ID: 834726). Invitae Evidence Modeling of protein sequence and biophysical properties (such as structural, functional, and spatial information, amino acid conservation, physicochemical variation, residue mobility, and thermodynamic stability) indicates that this missense variant is not expected to disrupt GATA2 protein function with a negative predictive value of 95%. In summary, the available evidence is currently insufficient to determine the role of this variant in disease. Therefore, it has been classified as a Variant of Uncertain Significance.

Ambry Genetics
Classification: Uncertain significance for Inborn genetic diseases. Last evaluated: 2025-02-12. Review status: criteria provided, single submitter. Criteria: Ambry Variant Classification Scheme 2023. Collection method: clinical testing. Allele origin: germline.
Comment: The p.S148G variant (also known as c.442A>G), located in coding exon 2 of the GATA2 gene, results from an A to G substitution at nucleotide position 442. The serine at codon 148 is replaced by glycine, an amino acid with similar properties. This amino acid position is not well conserved in available vertebrate species. In addition, the in silico prediction for this alteration is inconclusive. Based on the available evidence, the clinical significance of this variant remains unclear.

Fulgent Genetics
Classification: Uncertain significance for Acute myeloid leukemia; Deafness-lymphedema-leukemia syndrome; Monocytopenia with susceptibility to infections; Myelodysplastic syndrome. Last evaluated: 2024-03-28. Review status: criteria provided, single submitter. Criteria: ACMG Guidelines, 2015. Collection method: clinical testing. Allele origin: germline.

GeneDx
Classification: Uncertain significance. Last evaluated: 2024-03-27. Review status: criteria provided, single submitter. Criteria: GeneDx Variant Classification Process June 2021. Collection method: clinical testing. Allele origin: germline.
Comment: Not observed at significant frequency in large population cohorts (gnomAD); In silico analysis supports that this missense variant does not alter protein structure/function; Has not been previously published as pathogenic or benign to our knowledge

Baylor Genetics
Classification: Uncertain significance for Acute myeloid leukemia. Last evaluated: 2023-07-25. Review status: criteria provided, single submitter. Criteria: ACMG Guidelines, 2015. Collection method: clinical testing. Allele origin: unknown.

Literature cited by the submitters: uncertain (cited by Clinical Genomics Laboratory, Washington University in St. Louis).